The following is an entry in ClinVar:

NM_013275.6(ANKRD11):c.4012G>A (p.Ala1338Thr)

Gene: ANKRD11 (ankyrin repeat domain 11; minus strand). Cytogenetic location: 16q24.3.
Variant type: single nucleotide variant.
Coding change: c.4012G>A on transcript NM_013275.6 (MANE Select); coding-DNA position 4012, G replaced by A.
Protein change: p.Ala1338Thr; replaces alanine 1338 with threonine.
Molecular consequence: missense variant.
Genome position (GRCh38, 1-based): chr16:89,282,530, C>T on the plus strand (G>A on the coding strand, the complement: ANKRD11 is on the minus strand). VCF-style: chr16-89282530-C-T. GRCh37 (hg19) VCF-style: chr16-89348938-C-T.
Other names: c.4012G>A, p.Ala1338Thr (NM_001256182.2, NM_001256183.2); short protein forms A1338T.
Identifiers: ClinVar variation 2729064 (VCV002729064.3), dbSNP rs753576509, ClinGen allele CA8242227.

ClinVar aggregate classification (germline): Uncertain significance (1 of 4 stars; one submission).

Conditions:
KBG syndrome (KBGS). Also called: ANKRD11-Related KBG Syndrome. Identifiers: Orphanet 2332, MedGen C0220687, MONDO:0007846, OMIM 148050.

Allele frequency attached by ClinVar (database versions not stated): gnomAD 0.00001; gnomAD exomes 0.00001; ExAC 0.00002.
gnomAD v4.1: 22 of 1,613,902 alleles (0.0014%); highest among the groups gnomAD compares: South Asian, 0.018%; no homozygotes.

Submission:

Labcorp Genetics (formerly Invitae), Labcorp
Classification: Uncertain significance for KBG syndrome. Last evaluated: 2024-10-14. Review status: criteria provided, single submitter. Criteria: Invitae Variant Classification Sherloc (09022015). Collection method: clinical testing. Allele origin: germline.
Comment: This sequence change replaces alanine, which is neutral and non-polar, with threonine, which is neutral and polar, at codon 1338 of the ANKRD11 protein (p.Ala1338Thr). This variant is present in population databases (rs753576509, gnomAD 0.01%). This variant has not been reported in the literature in individuals affected with ANKRD11-related conditions. Invitae Evidence Modeling of protein sequence and biophysical properties (such as structural, functional, and spatial information, amino acid conservation, physicochemical variation, residue mobility, and thermodynamic stability) indicates that this missense variant is not expected to disrupt ANKRD11 protein function with a negative predictive value of 95%. In summary, the available evidence is currently insufficient to determine the role of this variant in disease. Therefore, it has been classified as a Variant of Uncertain Significance.